The following is an entry in ClinVar:

ClinVar aggregate classification (germline): Conflicting classifications of pathogenicity. Review status: criteria provided, conflicting classifications (1 of 4 stars). 3 submissions from 3 submitters: Uncertain significance (1); Benign (1). 1 of the submissions does not count toward it. Last evaluated 2025-07-22.

Allele frequency attached by ClinVar (database versions not stated): 1000 Genomes Project 30x 0.00016; 1000 Genomes Project 0.00020; ESP Exome Variant Server 0.00023.
gnomAD v4.1: 37 of 1,612,578 alleles (0.0023%); highest among the groups gnomAD compares: Middle Eastern, 0.033%; no homozygotes.

Submissions (3):

GeneDx
Classification: Uncertain significance. Last evaluated: 2025-07-22. Review status: criteria provided, single submitter. Criteria: GeneDx Variant Classification Process June 2021. Collection method: clinical testing. Allele origin: germline. Affected: yes.
Comment: In silico analysis suggests that this missense variant does not alter protein structure/function; Has not been previously published as pathogenic or benign to our knowledge

Labcorp Genetics (formerly Invitae), Labcorp
Classification: Benign. Last evaluated: 2025-05-02. Review status: criteria provided, single submitter. Criteria: Invitae Variant Classification Sherloc (09022015). Collection method: clinical testing. Allele origin: germline.

Department of Pathology and Laboratory Medicine, Sinai Health System
Classification: Uncertain significance. Review status: no assertion criteria provided. Collection method: clinical testing. Allele origin: unknown. Affected: yes. Study: The Canadian Open Genetics Repository (COGR). Not counted in ClinVar's aggregate classification.
Comment: The OTOF p.Val73Ile variant was not identified in the literature but was identified in dbSNP (ID: rs138545671) and ClinVar (classified as uncertain significance by Laboratory for Molecular Medicine). The variant was identified in control databases in 17 of 280102 chromosomes at a frequency of 0.00006069 (Genome Aggregation Database March 6, 2019, v2.1.1). The variant was observed in the following populations: African in 10 of 24456 chromosomes (freq: 0.000409), East Asian in 3 of 19934 chromosomes (freq: 0.000151), Other in 1 of 7164 chromosomes (freq: 0.00014) and European (non-Finnish) in 3 of 127336 chromosomes (freq: 0.000024), but was not observed in the Latino, Ashkenazi Jewish, European (Finnish), or South Asian populations. The p.Val73 residue is conserved in mammals and computational analyses (PolyPhen-2, SIFT, AlignGVGD, BLOSUM, MutationTaster) provide inconsistent predictions regarding the impact to the protein; this information is not very predictive of pathogenicity. The variant occurs outside of the splicing consensus sequence and in silico or computational prediction software programs (SpliceSiteFinder, MaxEntScan, NNSPLICE, GeneSplicer) do not predict a difference in splicing. In summary, based on the above information the clinical significance of this variant cannot be determined with certainty at this time. This variant is classified as a variant of uncertain significance.

NM_194248.3(OTOF):c.2287G>A (p.Val763Ile)

Genes: OTOF (otoferlin; minus strand), LOC129933334 (ATAC-STARR-seq lymphoblastoid active region 15473; plus strand). Cytogenetic location: 2p23.3.
Variant type: single nucleotide variant.
Coding change: c.2287G>A on transcript NM_194248.3 (MANE Select); coding-DNA position 2287, G replaced by A.
Protein change: p.Val763Ile; replaces valine 763 with isoleucine.
Molecular consequence: missense variant.
Genome position (GRCh38, 1-based): chr2:26,477,677, C>T on the plus strand (G>A on the coding strand, the complement: OTOF is on the minus strand). VCF-style: chr2-26477677-C-T. GRCh37 (hg19) VCF-style: chr2-26700545-C-T.
Other names: c.2287G>A, p.Val763Ile (NM_001287489.2); c.46G>A, p.Val16Ile (NM_004802.4, NM_194323.3); c.217G>A, p.Val73Ile (NM_194322.3); short protein forms V16I, V73I, V763I.
Identifiers: ClinVar variation 1049392 (VCV001049392.5), dbSNP rs138545671, ClinGen allele CA1563978.
Genomic context (GRCh38, chr2:26,477,677, plus strand): 5'-CCTCCCCCCACCTGCCGCCCCTCCCTTCTCACCAGCAGCCACAGCTCAGCTCCTCCAGGA[C>T]GCCCCGCAGGCGACGCTCAGGGTAGGACTTCTCCGTTTTGATCATCTCCTGTATGTCGTT-3'
Protein context (NP_919224.1, residues 753-773): KSYPERRLRG[Val763Ile]LEELSCGCCR